The following is an entry in ClinVar:

NM_001040108.2(MLH3):c.735CAA[1] (p.Asn246del)

Gene: MLH3 (mutL homolog 3; minus strand). Cytogenetic location: 14q24.3.
Variant type: Microsatellite.
Coding change: c.735CAA[1] on transcript NM_001040108.2 (MANE Select); one copy of the 3-base unit CAA starting at c.735; the reference has two copies in a row; one copy, 3 bases deleted; also written c.738_740del.
Protein change: p.Asn246del; deletes asparagine 246.
Molecular consequence: inframe deletion.
Genome position (GRCh38, 1-based): chr14:75,048,916-75,048,918, TTG deleted on the plus strand (CAA on the coding strand, the reverse complement: MLH3 is on the minus strand); deleting any 3 consecutive bases within chr14:75,048,916-75,048,922 gives the same sequence; the position shown is the placement nearest the transcript's 3' end. VCF-style (leftmost placement, unchanged base first): chr14-75048915-CTTG-C. GRCh37 (hg19) VCF-style: chr14-75515618-CTTG-C.
Other names: c.738_740delCAA (NM_001040108.1, NM_001040108.2); c.738_740del (NM_001040108.2); c.735CAA[1], p.Asn246del (NM_014381.3); short protein forms N246del.
Identifiers: ClinVar variation 664155 (VCV000664155.22), dbSNP rs774010757, ClinGen allele CA7275972.

ClinVar aggregate classification (germline): Uncertain significance. Review status: criteria provided, multiple submitters, no conflicts (2 of 4 stars). 6 submissions from 6 submitters: Uncertain significance (6). Last evaluated 2026-08-01.

Conditions:
Endometrial carcinoma. Also called: Endometrial carcinoma, somatic. Identifiers: MedGen C0476089, MONDO:0002447, OMIM 608089, HP:0012114.
Colorectal cancer, hereditary nonpolyposis, type 7. Identifiers: Orphanet 144, MedGen C1858380, MONDO:0013725, OMIM 614385.
Colorectal cancer. Also called: Colorectal cancer, somatic; Malignant Colorectal Neoplasm. Identifiers: MedGen C0346629, MONDO:0005575, OMIM 114500.
MLH3-related disorder. Also called: MLH3-related condition.

Submissions (6):

PreventionGenetics, part of Exact Sciences
Classification: Uncertain significance for MLH3-related condition. Last evaluated: 2026-08-01. Review status: criteria provided, single submitter. Criteria: ACMG Guidelines, 2015. Collection method: clinical testing. Allele origin: germline.
Comment: The MLH3 c.738_740delCAA variant is predicted to result in an in-frame deletion (p.Asn246del). To our knowledge, this variant has not been reported in the literature. It is reported in 0.0047% of alleles in individuals of European (Non-Finnish) descent in gnomAD and is interpreted as uncertain in ClinVar (Variation ID: 664155). At this time, the clinical significance of this variant is uncertain due to the absence of conclusive functional and genetic evidence.

Center for Genomic Medicine, Rigshospitalet, Copenhagen University Hospital
Classification: Uncertain significance. Last evaluated: 2025-03-04. Review status: criteria provided, single submitter. Criteria: ACMG Guidelines, 2015. Collection method: clinical testing. Allele origin: germline.

Ambry Genetics
Classification: Uncertain significance. Last evaluated: 2024-12-04. Review status: criteria provided, single submitter. Criteria: Ambry Variant Classification Scheme 2023. Collection method: clinical testing. Allele origin: germline.
Comment: The c.738_740delCAA variant (also known as p.N246del) is located in coding exon 1 of the MLH3 gene. This variant results from an in-frame CAA deletion at nucleotide positions 738 to 740. This results in the in-frame deletion of an asparagine at codon 246. This amino acid position is well conserved in available vertebrate species. In addition, this alteration is predicted to be deleterious by in silico analysis (Choi Y et al. PLoS ONE. 2012; 7(10):e46688). The evidence for this gene-disease relationship is limited; therefore, the clinical significance of this alteration is unclear.

Fulgent Genetics
Classification: Uncertain significance for Colorectal cancer; Endometrial carcinoma; Colorectal cancer, hereditary nonpolyposis, type 7. Last evaluated: 2024-06-20. Review status: criteria provided, single submitter. Criteria: ACMG Guidelines, 2015. Collection method: clinical testing. Allele origin: germline.

Labcorp Genetics (formerly Invitae), Labcorp
Classification: Uncertain significance for Colorectal cancer, hereditary nonpolyposis, type 7. Last evaluated: 2024-06-10. Review status: criteria provided, single submitter. Criteria: Invitae Variant Classification Sherloc (09022015). Collection method: clinical testing. Allele origin: germline.
Comment: This variant, c.738_740del, results in the deletion of 1 amino acid(s) of the MLH3 protein (p.Asn246del), but otherwise preserves the integrity of the reading frame. This variant is present in population databases (rs774010757, gnomAD 0.005%). This variant has not been reported in the literature in individuals affected with MLH3-related conditions. ClinVar contains an entry for this variant (Variation ID: 664155). Experimental studies and prediction algorithms are not available or were not evaluated, and the functional significance of this variant is currently unknown. In summary, the available evidence is currently insufficient to determine the role of this variant in disease. Therefore, it has been classified as a Variant of Uncertain Significance.

Department of Pathology and Laboratory Medicine, Sinai Health System
Classification: Uncertain significance for Colorectal cancer; Endometrial carcinoma; Colorectal cancer, hereditary nonpolyposis, type 7. Last evaluated: 2023-03-10. Review status: criteria provided, single submitter. Criteria: ACMG Guidelines, 2015. Collection method: clinical testing. Allele origin: germline. Affected: no.